The following is an entry in ClinVar:

NM_004990.4(MARS1):c.2173T>G (p.Trp725Gly)

Gene: MARS1 (methionyl-tRNA synthetase 1; plus strand). Cytogenetic location: 12q13.3.
Variant type: single nucleotide variant.
Coding change: c.2173T>G on transcript NM_004990.4 (MANE Select); coding-DNA position 2173, T replaced by G.
Protein change: p.Trp725Gly; replaces tryptophan 725 with glycine.
Molecular consequence: missense variant.
Genome position (GRCh38, 1-based): chr12:57,515,027, T>G. VCF-style: chr12-57515027-T-G. GRCh37 (hg19) VCF-style: chr12-57908810-T-G.
Other names: short protein forms W725G.
Identifiers: ClinVar variation 4782837 (VCV004782837.1).
Genomic context (GRCh38, chr12:57,515,027, plus strand): 5'-TTGCGCAGTATCCTCACCATATCTCGACATGGCAACCAATATATTCAGGTGAATGAGCCC[T>G]GGAAGCGGATTAAAGGCAGTGAGGCTGACAGGTAGGTAAGCGGGGAGGGTTGGCTAAAGG-3'
Protein context (NP_004981.2, residues 715-735): GNQYIQVNEP[Trp725Gly]KRIKGSEADR

ClinVar aggregate classification (germline): Uncertain significance (1 of 4 stars; one submission).

Conditions:
Severe early-onset pulmonary alveolar proteinosis due to MARS deficiency. Also called: PULMONARY ALVEOLAR PROTEINOSIS, REUNION ISLAND; Interstitial lung and liver disease. Identifiers: Orphanet 440427, MedGen C4225400, MONDO:0014206, OMIM 615486.
Charcot-Marie-Tooth disease axonal type 2U. Also called: CHARCOT-MARIE-TOOTH NEUROPATHY, TYPE 2U; CHARCOT-MARIE-TOOTH DISEASE, AXONAL, AUTOSOMAL DOMINANT, TYPE 2U. Identifiers: Orphanet 397735, MedGen C4084821, MONDO:0014566, OMIM 616280.

gnomAD v4.1: 7 of 1,614,154 alleles (0.00043%); highest among the groups gnomAD compares: Non-Finnish European, 0.00059%; no homozygotes.

Submission:

Labcorp Genetics (formerly Invitae), Labcorp
Classification: Uncertain significance for Charcot-Marie-Tooth disease axonal type 2U; Severe early-onset pulmonary alveolar proteinosis due to MARS deficiency. Last evaluated: 2025-03-31. Review status: criteria provided, single submitter. Criteria: Invitae Variant Classification Sherloc (09022015). Collection method: clinical testing. Allele origin: germline.
Comment: This sequence change replaces tryptophan, which is neutral and slightly polar, with glycine, which is neutral and non-polar, at codon 725 of the MARS protein (p.Trp725Gly). This variant is not present in population databases (gnomAD no frequency). This variant has not been reported in the literature in individuals affected with MARS-related conditions. An algorithm developed to predict the effect of missense changes on protein structure and function (PolyPhen-2) suggests that this variant is likely to be tolerated. In summary, the available evidence is currently insufficient to determine the role of this variant in disease. Therefore, it has been classified as a Variant of Uncertain Significance.